The following is an entry in ClinVar:

ClinVar aggregate classification (germline): Benign. Review status: criteria provided, multiple submitters, no conflicts (2 of 4 stars). 5 submissions from 5 submitters: Benign (5). Last evaluated 2026-02-04.

Conditions:
X-linked mixed hearing loss with perilymphatic gusher. Also called: NANCE DEAFNESS; PERILYMPHATIC GUSHER-DEAFNESS SYNDROME; SENSORINEURAL DEAFNESS, PROFOUND, WITH OR WITHOUT A CONDUCTIVE COMPONENT, ASSOCIATED WITH A UNIQUE DEVELOPMENTAL ABNORMALITY OF THE EAR; Deafness, X-linked 2; Gusher syndrome. Identifiers: Orphanet 383, MedGen C1844678, MONDO:0010576, OMIM 304400.

Allele frequency attached by ClinVar (database versions not stated): TOPMed 0.99999; gnomAD exomes 1.00000.

Submissions (5):

Labcorp Genetics (formerly Invitae), Labcorp
Classification: Benign. Last evaluated: 2026-02-04. Review status: criteria provided, single submitter. Criteria: Invitae Variant Classification Sherloc (09022015). Collection method: clinical testing. Allele origin: germline.

Blueprint Genetics
Classification: Benign. Last evaluated: 2024-11-28. Review status: criteria provided, single submitter. Criteria: ACMG Guidelines, 2015. Collection method: clinical testing. Allele origin: germline.

ARUP Laboratories, Molecular Genetics and Genomics, ARUP Laboratories
Classification: Benign for X-linked mixed hearing loss with perilymphatic gusher. Last evaluated: 2023-11-29. Review status: criteria provided, single submitter. Criteria: ARUP Molecular Germline Variant Investigation Process 2024. Collection method: clinical testing. Allele origin: germline.

Laboratory for Molecular Medicine, Mass General Brigham Personalized Medicine
Classification: Benign. Last evaluated: 2012-12-06. Review status: criteria provided, single submitter. Criteria: LMM Criteria. Collection method: clinical testing. Allele origin: germline. Observed: 1,600 variant alleles.
Comment: Data from the 1000genomes shows that an A has been seen in 7.6% (126) of chromos omes.

Breakthrough Genomics
Classification: Benign. Review status: criteria provided, single submitter. Criteria: ACMG Guidelines, 2015. Collection method: not provided. Allele origin: germline. Inheritance: X-linked inheritance. Affected: yes.

NM_000307.5(POU3F4):c.708= (p.Glu236=)

Gene: POU3F4 (POU class 3 homeobox 4; plus strand). Cytogenetic location: Xq21.1.
Variant type: single nucleotide variant.
Coding change: c.708= on transcript NM_000307.5 (MANE Select); coding-DNA position 708, no change from the reference sequence.
Protein change: p.Glu236=; no amino-acid change (glutamic acid 236 retained).
Molecular consequence: no sequence alteration.
Genome position: GRCh38 VCF-style: chrX-83509032-G-G. GRCh37 (hg19) VCF-style: chrX-82764040-A-G.
Identifiers: ClinVar variation 43351 (VCV000043351.27), dbSNP rs5921978.